The following is an entry in ClinVar:

ClinVar aggregate classification (germline): Likely benign. Review status: criteria provided, single submitter (1 of 4 stars). 3 submissions from 3 submitters: Likely benign (1). 2 of the submissions do not count toward it. Last evaluated 2024-07-19.

Conditions:
Nemaline myopathy 2 (NEM2). Also called: Nemaline myopathy 2, autosomal recessive. Identifiers: MedGen C1850569, MONDO:0009725, OMIM 256030.
NEB-related disorder. Also called: NEB-Related Disorders; NEB-related condition.

Allele frequency attached by ClinVar (database versions not stated): ExAC 0.00002; TOPMed 0.00004; gnomAD 0.00001.
gnomAD v4.1: 8 of 1,613,680 alleles (0.0005%); highest among the groups gnomAD compares: Admixed American, 0.013%; no homozygotes.

Submissions (3):

Labcorp Genetics (formerly Invitae), Labcorp
Classification: Likely benign for Nemaline myopathy 2. Last evaluated: 2024-07-19. Review status: criteria provided, single submitter. Criteria: Invitae Variant Classification Sherloc (09022015). Collection method: clinical testing. Allele origin: germline.

Natera, Inc.
Classification: Uncertain significance for Nemaline myopathy type 2. Last evaluated: 2020-01-24. Review status: no assertion criteria provided. Collection method: clinical testing. Allele origin: germline. Not counted in ClinVar's aggregate classification.

PreventionGenetics, part of Exact Sciences
Classification: Likely benign for NEB-related condition. Last evaluated: 2019-09-23. Review status: no assertion criteria provided. Collection method: clinical testing. Allele origin: germline. Not counted in ClinVar's aggregate classification.
Comment: This variant is classified as likely benign based on ACMG/AMP sequence variant interpretation guidelines (Richards et al. 2015 PMID: 25741868, with internal and published modifications).

NM_001164508.2(NEB):c.3568-10A>G

Gene: NEB (nebulin; minus strand). Cytogenetic location: 2q23.3.
Variant type: single nucleotide variant.
Coding change: c.3568-10A>G on transcript NM_001164508.2 (MANE Select); 10 bases into the intron before coding-DNA position 3568, A replaced by G.
Molecular consequence: intron variant.
Genome position (GRCh38, 1-based): chr2:151,677,781, T>C on the plus strand (A>G on the coding strand, the complement: NEB is on the minus strand). VCF-style: chr2-151677781-T-C. GRCh37 (hg19) VCF-style: chr2-152534295-T-C.
Other names: c.3568-10A>G (NM_004543.5, NM_001164507.2, NM_001271208.2).
Identifiers: ClinVar variation 740591 (VCV000740591.14), dbSNP rs774345653, ClinGen allele CA1910869.
Genomic context (GRCh38, chr2:151,677,781, plus strand): 5'-AATCCAGCCAATGCCTTTCATCCAGTTGTTGTAGTCTTCCTTGTAGACGTTCTACAGCAA[T>C]GGAGAAAAGAGGAGTGAGGGCCTAGGACAGGGTTCTTTTCATGGCAGGCTCTGAACTTAA-3'